The following is an entry in ClinVar:

NM_000094.4(COL7A1):c.4271G>A (p.Gly1424Glu)

Gene: COL7A1 (collagen type VII alpha 1 chain; minus strand). Cytogenetic location: 3p21.31.
Variant type: single nucleotide variant.
Coding change: c.4271G>A on transcript NM_000094.4 (MANE Select); coding-DNA position 4271, G replaced by A.
Protein change: p.Gly1424Glu; replaces glycine 1424 with glutamic acid.
Molecular consequence: missense variant.
Genome position (GRCh38, 1-based): chr3:48,583,907, C>T on the plus strand (G>A on the coding strand, the complement: COL7A1 is on the minus strand). VCF-style: chr3-48583907-C-T. GRCh37 (hg19) VCF-style: chr3-48621340-C-T.
Other names: short protein forms G1424E.
Identifiers: ClinVar variation 2143287 (VCV002143287.5), dbSNP rs775810281, ClinGen allele CA2380133.

ClinVar aggregate classification (germline): Conflicting classifications of pathogenicity. Review status: criteria provided, conflicting classifications (1 of 4 stars). 4 submissions from 4 submitters: Likely pathogenic (1); Uncertain significance (3). Last evaluated 2024-04-08.

Conditions:
Recessive dystrophic epidermolysis bullosa (RDEB). Also called: Epidermolysis Bullosa Distrophica Autosomal Recessive (RDEB); DYSTROPHIC EPIDERMOLYSIS BULLOSA, AUTOSOMAL RECESSIVE; EPIDERMOLYSIS BULLOSA DYSTROPHICA, HALLOPEAU-SIEMENS TYPE; EPIDERMOLYSIS BULLOSA DYSTROPHICA, GENERALIZED SEVERE, AUTOSOMAL RECESSIVE; severe generalized recessive dystrophic epidermolysis bullosa; epidermolysis bullosa dystrophica, autosomal recessive. Identifiers: Orphanet 79408, Orphanet 79409, MedGen C0079474, MONDO:0009179, OMIM 226600.
Transient bullous dermolysis of the newborn (TBDN). Also called: DYSTROPHIC EPIDERMOLYSIS BULLOSA, NEONATAL; EPIDERMOLYSIS BULLOSA DYSTROPHICA, NEONATAL FORM. Identifiers: Orphanet 79411, MedGen C1851573, MONDO:0007548, OMIM 131705.
Epidermolysis bullosa pruriginosa. Also called: DEB, PRURIGINOSA; DYSTROPHIC EPIDERMOLYSIS BULLOSA PRURIGINOSA. Identifiers: Orphanet 89843, MedGen C1275114, MONDO:0011398, OMIM 604129.
Generalized dominant dystrophic epidermolysis bullosa (DDEB). Also called: Dominant DEB (DDEB); DDEB, generalized; DDEB-gen; DYSTROPHIC EPIDERMOLYSIS BULLOSA, AUTOSOMAL DOMINANT; Epidermolysis bullosa dystrophica, autosomal dominant. Identifiers: Orphanet 231568, MedGen C0432322, MONDO:0007549, OMIM 131750.
Pretibial dystrophic epidermolysis bullosa. Also called: EPIDERMOLYSIS BULLOSA DYSTROPHICA, PRETIBIAL; Pretibial blistering; Pretibial epidermolysis bullosa. Identifiers: Orphanet 79410, MedGen C0432321, MONDO:0007552, OMIM 131850, HP:0012221.
Dominant dystrophic epidermolysis bullosa with absence of skin. Also called: EPIDERMOLYSIS BULLOSA DYSTROPHICA, BART TYPE; EPIDERMOLYSIS BULLOSA WITH CONGENITAL LOCALIZED ABSENCE OF SKIN AND DEFORMITY OF NAILS. Identifiers: MedGen C0268371, MONDO:0007557, OMIM 132000.
Nonsyndromic congenital nail disorder 8. Also called: TOENAIL DYSTROPHY, ISOLATED. Identifiers: MedGen C1843761, MONDO:0011852, OMIM 607523.
Inborn genetic diseases. Identifiers: MedGen C0950123, MeSH D030342.

Allele frequency attached by ClinVar (database versions not stated): gnomAD exomes below 0.00001; ExAC 0.00002.
gnomAD v4.1: 2 of 1,613,914 alleles (0.00012%); highest among the groups gnomAD compares: East Asian, 0.0022%; no homozygotes.

Submissions (4):

Ambry Genetics
Classification: Uncertain significance for Inborn genetic diseases. Last evaluated: 2024-04-08. Review status: criteria provided, single submitter. Criteria: Ambry Variant Classification Scheme 2023. Collection method: clinical testing. Allele origin: germline.

Fulgent Genetics
Classification: Likely pathogenic for Transient bullous dermolysis of the newborn; Generalized dominant dystrophic epidermolysis bullosa; Pretibial dystrophic epidermolysis bullosa; Dominant dystrophic epidermolysis bullosa with absence of skin; Recessive dystrophic epidermolysis bullosa; Epidermolysis bullosa pruriginosa; Nonsyndromic congenital nail disorder 8. Last evaluated: 2024-03-29. Review status: criteria provided, single submitter. Criteria: ACMG Guidelines, 2015. Collection method: clinical testing. Allele origin: germline.

Labcorp Genetics (formerly Invitae), Labcorp
Classification: Uncertain significance. Last evaluated: 2019-07-02. Review status: criteria provided, single submitter. Criteria: Invitae Variant Classification Sherloc (09022015). Collection method: clinical testing. Allele origin: germline.
Comment: This sequence change replaces glycine with glutamic acid at codon 1424 of the COL7A1 protein (p.Gly1424Glu). The glycine residue is highly conserved and there is a moderate physicochemical difference between glycine and glutamic acid. This variant is present in population databases (rs775810281, ExAC 0.01%). This variant has not been reported in the literature in individuals with COL7A1-related disease. In summary, the available evidence is currently insufficient to determine the role of this variant in disease. Therefore, it has been classified as a Variant of Uncertain Significance.

Juno Genomics, Hangzhou Juno Genomics, Inc
Classification: Uncertain significance for Recessive dystrophic epidermolysis bullosa; Generalized dominant dystrophic epidermolysis bullosa; Dominant dystrophic epidermolysis bullosa with absence of skin; Nonsyndromic congenital nail disorder 8; Epidermolysis bullosa pruriginosa; Pretibial dystrophic epidermolysis bullosa; Transient bullous dermolysis of the newborn. Review status: criteria provided, single submitter. Criteria: ACMG Guidelines, 2015. Collection method: clinical testing. Allele origin: germline.
Comment: Missense variant in a gene that has a low rate of benign missense variation.;Multiple lines of computational evidence support a deleterious effect on the gene or gene product.;Absent from controls (or at extremely low frequency if recessive) in Genome Aggregation Database.